The following is an entry in ClinVar:

ClinVar aggregate classification (germline): Conflicting classifications of pathogenicity. Review status: criteria provided, conflicting classifications (1 of 4 stars). 2 submissions from 2 submitters: Uncertain significance (1); Likely benign (1). Last evaluated 2025-08-18.

Conditions:
Familial hemiplegic migraine. Identifiers: MedGen C0338484, MONDO:0000700.

Allele frequency attached by ClinVar (database versions not stated): TOPMed below 0.00001; gnomAD 0.00001; gnomAD exomes 0.00003 and 0.00006; ExAC 0.00008.
gnomAD v4.1: 47 of 1,614,078 alleles (0.0029%); highest among the groups gnomAD compares: South Asian, 0.049%; 1 homozygote.

Submissions (2):

Labcorp Genetics (formerly Invitae), Labcorp
Classification: Likely benign for Familial hemiplegic migraine. Last evaluated: 2025-08-18. Review status: criteria provided, single submitter. Criteria: Invitae Variant Classification Sherloc (09022015). Collection method: clinical testing. Allele origin: germline.

GeneDx
Classification: Uncertain significance. Last evaluated: 2024-08-10. Review status: criteria provided, single submitter. Criteria: GeneDx Variant Classification Process June 2021. Collection method: clinical testing. Allele origin: germline. Affected: yes.
Comment: In silico analysis supports a deleterious effect on splicing; Has not been previously published as pathogenic or benign to our knowledge

NM_000702.4(ATP1A2):c.2526G>A (p.Val842=)

Gene: ATP1A2 (ATPase Na+/K+ transporting subunit alpha 2; plus strand). Cytogenetic location: 1q23.2.
Variant type: single nucleotide variant.
Coding change: c.2526G>A on transcript NM_000702.4 (MANE Select); coding-DNA position 2526, G replaced by A.
Protein change: p.Val842=; no amino-acid change (valine 842 retained).
Molecular consequence: synonymous variant.
Genome position (GRCh38, 1-based): chr1:160,136,333, G>A. VCF-style: chr1-160136333-G-A. GRCh37 (hg19) VCF-style: chr1-160106123-G-A.
Other names: c.2526G>A (NM_000702.3).
Identifiers: ClinVar variation 1648978 (VCV001648978.9), dbSNP rs777716327, ClinGen allele CA1194767.
Genomic context (GRCh38, chr1:160,136,333, plus strand): 5'-GGCAGCTGAGAGTGATATCATGAAGCGGCAGCCACGAAACTCCCAGACGGACAAGCTGGT[G>A]AATGAGAGGCTCATCAGCATGGCCTACGGACAGATCGGTGCGCCAAGCCCCGGGCCTCGG-3'
Protein context (NP_000693.1, residues 832-852): QPRNSQTDKL[Val842=]NERLISMAYG